The following is an entry in ClinVar:

ClinVar aggregate classification (germline): Likely benign. Review status: criteria provided, multiple submitters, no conflicts (2 of 4 stars). 2 submissions from 2 submitters: Likely benign (2). Last evaluated 2026-05-01.

Allele frequency attached by ClinVar (database versions not stated): gnomAD exomes 0.00002 and 0.00010; ExAC 0.00003; gnomAD 0.00004; 1000 Genomes Project 30x 0.00016; 1000 Genomes Project 0.00020.
gnomAD v4.1: 147 of 1,613,764 alleles (0.0091%); highest among the groups gnomAD compares: East Asian, 0.32%; no homozygotes.

Submissions (2):

CeGaT Center for Human Genetics Tuebingen
Classification: Likely benign. Last evaluated: 2026-05-01. Review status: criteria provided, single submitter. Criteria: CeGaT Center For Human Genetics Tuebingen Variant Classification Criteria Version 2. Collection method: clinical testing. Allele origin: germline. Affected: yes. Observed: 1 variant allele.
Comment: ERBB4: BP4, BP7, BS1

Labcorp Genetics (formerly Invitae), Labcorp
Classification: Likely benign. Last evaluated: 2024-01-21. Review status: criteria provided, single submitter. Criteria: Invitae Variant Classification Sherloc (09022015). Collection method: clinical testing. Allele origin: germline.

NM_005235.3(ERBB4):c.1296G>A (p.Leu432=)

Gene: ERBB4 (erb-b2 receptor tyrosine kinase 4; minus strand). Cytogenetic location: 2q34.
Variant type: single nucleotide variant.
Coding change: c.1296G>A on transcript NM_005235.3 (MANE Select); coding-DNA position 1296, G replaced by A.
Protein change: p.Leu432=; no amino-acid change (leucine 432 retained).
Molecular consequence: synonymous variant.
Genome position (GRCh38, 1-based): chr2:211,702,160, C>T on the plus strand (G>A on the coding strand, the complement: ERBB4 is on the minus strand). VCF-style: chr2-211702160-C-T. GRCh37 (hg19) VCF-style: chr2-212566885-C-T.
Other names: c.1296G>A, p.Leu432= (NM_001042599.2).
Identifiers: ClinVar variation 740321 (VCV000740321.9), dbSNP rs555960794, ClinGen allele CA2088155.